The following is an entry in ClinVar:

NM_000038.6(APC):c.1685C>T (p.Thr562Met)

Gene: APC (APC regulator of Wnt signaling pathway; plus strand). Cytogenetic location: 5q22.2.
Variant type: single nucleotide variant.
Coding change: c.1685C>T on transcript NM_000038.6 (MANE Select); coding-DNA position 1685, C replaced by T.
Protein change: p.Thr562Met; replaces threonine 562 with methionine.
Molecular consequence: missense variant.
Genome position (GRCh38, 1-based): chr5:112,828,914, C>T. VCF-style: chr5-112828914-C-T. GRCh37 (hg19) VCF-style: chr5-112164611-C-T.
Other names: c.1685C>T, p.Thr562Met (NM_001127510.3, NM_001354895.2); c.1631C>T, p.Thr544Met (NM_001127511.3); c.1739C>T, p.Thr580Met (NM_001354896.2); c.1715C>T, p.Thr572Met (NM_001354897.2); c.1610C>T, p.Thr537Met (NM_001354898.2); c.1601C>T, p.Thr534Met (NM_001354899.2); c.1562C>T, p.Thr521Met (NM_001354900.2); c.1508C>T, p.Thr503Met (NM_001354901.2); and 5 more; short protein forms T544M, T562M, T521M, T572M, T279M, T402M, T436M, T461M.
Identifiers: ClinVar variation 156480 (VCV000156480.32), dbSNP rs587783034, ClinGen allele CA005437.

ClinVar aggregate classification (germline): Conflicting classifications of pathogenicity. Review status: criteria provided, conflicting classifications (1 of 4 stars). 9 submissions from 9 submitters: Uncertain significance (3); Benign (1); Likely benign (3). 2 of the submissions do not count toward it. Last evaluated 2026-02-02.

Conditions:
Classic or attenuated familial adenomatous polyposis. Identifiers: MedGen CN372698, MONDO:0021057.
Hereditary cancer-predisposing syndrome. Also called: Hereditary Cancer Syndrome; Neoplastic Syndromes, Hereditary; Hereditary neoplastic syndrome; Tumor predisposition. Identifiers: Orphanet 140162, MedGen C0027672, MeSH D009386, MONDO:0015356.
Familial adenomatous polyposis 1 (FAP1). Also called: FAMILIAL ADENOMATOUS POLYPOSIS 1, ATTENUATED; POLYPOSIS, ADENOMATOUS INTESTINAL. Identifiers: MedGen C2713442, MONDO:0021056, OMIM 175100. Disease mechanism: loss of function.

Allele frequency attached by ClinVar (database versions not stated): ExAC 0.00002; gnomAD 0.00002 and 0.00003; TOPMed 0.00002; gnomAD exomes 0.00003 and 0.00006.

Submissions (9):

Labcorp Genetics (formerly Invitae), Labcorp
Classification: Likely benign for Familial adenomatous polyposis 1. Last evaluated: 2026-02-02. Review status: criteria provided, single submitter. Criteria: Invitae Variant Classification Sherloc (09022015). Collection method: clinical testing. Allele origin: germline.

Color Diagnostics, LLC DBA Color Health
Classification: Likely benign for Hereditary cancer-predisposing syndrome. Last evaluated: 2025-07-14. Review status: criteria provided, single submitter. Criteria: ACMG Guidelines, 2015. Collection method: clinical testing. Allele origin: germline.

All of Us Research Program, National Institutes of Health
Classification: Uncertain significance for Classic or attenuated familial adenomatous polyposis. Last evaluated: 2024-09-23. Review status: criteria provided, single submitter. Criteria: ACMG Guidelines, 2015. Collection method: clinical testing. Allele origin: germline. Inheritance: Autosomal dominant inheritance. Observed: 6 variant alleles, 6 heterozygotes.
Comment: This missense variant replaces threonine with methionine at codon 562 of the APC protein. Computational prediction suggests that this variant may not impact protein structure and function (internally defined REVEL score threshold <= 0.5, PMID: 27666373). Splice site prediction tools suggest that this variant may not impact RNA splicing. To our knowledge, functional studies have not been performed for this variant. This variant has been reported in an individual affected with colorectal cancer (PMID: 28944238). This variant has been identified in 16/282672 chromosomes in the general population by the Genome Aggregation Database (gnomAD) and in healthy control individuals (PMID: 32980694). The available evidence is insufficient to determine the role of this variant in disease conclusively. Therefore, this variant is classified as a Variant of Uncertain Significance.

This study involves interpretation of variants in research participants for the purpose of population health screening. Participant phenotype was not available at the time of variant classification. Additional details can be found in publication PMID: 35346344, PMCID: PMC8962531

GeneDx
Classification: Uncertain significance. Last evaluated: 2024-04-08. Review status: criteria provided, single submitter. Criteria: GeneDx Variant Classification Process June 2021. Collection method: clinical testing. Allele origin: germline. Affected: yes.
Comment: In silico analysis supports that this missense variant does not alter protein structure/function; Observed in individuals with colorectal cancer (PMID: 28944238); This variant is associated with the following publications: (PMID: 18199528, 28944238, 36243179)

Myriad Genetics, Inc.
Classification: Likely benign for Familial adenomatous polyposis 1. Last evaluated: 2023-02-17. Review status: criteria provided, single submitter. Criteria: Myriad Autosomal Dominant, Autosomal Recessive and X-Linked Classification Criteria (2023). Collection method: clinical testing. Allele origin: unknown.
Comment: This variant is considered likely benign. This variant has been observed at a population frequency that is significantly greater than expected given the associated disease prevalence and penetrance.

Ambry Genetics
Classification: Benign for Hereditary cancer-predisposing syndrome. Last evaluated: 2023-01-12. Review status: criteria provided, single submitter. Criteria: Ambry Variant Classification Scheme 2023. Collection method: clinical testing. Allele origin: germline.

Laboratory for Molecular Medicine, Mass General Brigham Personalized Medicine
Classification: Uncertain significance. Last evaluated: 2017-03-20. Review status: criteria provided, single submitter. Criteria: LMM Criteria. Collection method: clinical testing. Allele origin: germline. Observed: 1 variant allele.
Comment: The p.Thr562Met variant in APC has not been previously reported in individuals w ith familial adenomatous polyposis or other APC-associated disorders but has bee n reported in ClinVar (Variation ID: 156480). It has also been identified in 2/8 618 of East Asian chromosomes by the Exome Aggregation Consortium (ExAC; dbSNP rs587783034). Computational prediction tools and conservation analysis do not provide strong support for or against an impact to the protein. In summary, the clinical significance of the p.Thr562Met variant is uncertain.

Counsyl
Classification: Uncertain significance for Familial adenomatous polyposis 1. Last evaluated: 2017-04-04. Review status: no assertion criteria provided. Collection method: clinical testing. Allele origin: unknown. Not counted in ClinVar's aggregate classification.

Pathway Genomics
Classification: Uncertain significance for Adenomatous polyposis coli. Last evaluated: 2014-07-24. Review status: no assertion criteria provided. Collection method: clinical testing. Allele origin: germline. Not counted in ClinVar's aggregate classification.

Literature cited by the submitters: PubMed 28944238 (cited by All of Us Research Program, National Institutes of Health); PubMed 32980694 (cited by All of Us Research Program, National Institutes of Health).